The following is an entry in ClinVar:

ClinVar aggregate classification (germline): Benign/Likely benign. Review status: criteria provided, multiple submitters, no conflicts (2 of 4 stars). 6 submissions from 6 submitters: Benign (3); Likely benign (3). Last evaluated 2026-02-01.

Conditions:
Primary ciliary dyskinesia 30. Also called: CILIARY DYSKINESIA, PRIMARY, 30, WITH OR WITHOUT SITUS INVERSUS. Identifiers: Orphanet 244, MedGen C4015016, MONDO:0014465, OMIM 616037.

Allele frequency attached by ClinVar (database versions not stated): 1000 Genomes Project 0.00759; 1000 Genomes Project 30x 0.00765; TOPMed 0.01846; gnomAD 0.01960 and 0.02018; gnomAD exomes 0.02087 and 0.02752; ESP Exome Variant Server 0.02206; ExAC 0.02251.
gnomAD v4.1: 42,851 of 1,613,892 alleles (2.7%); highest among the groups gnomAD compares: Non-Finnish European, 3.2%; 686 homozygotes.

Submissions (6):

Labcorp Genetics (formerly Invitae), Labcorp
Classification: Benign for Primary ciliary dyskinesia 30. Last evaluated: 2026-02-01. Review status: criteria provided, single submitter. Criteria: Invitae Variant Classification Sherloc (09022015). Collection method: clinical testing. Allele origin: germline.

ARUP Laboratories, Molecular Genetics and Genomics, ARUP Laboratories
Classification: Benign for Primary ciliary dyskinesia 30. Last evaluated: 2025-06-16. Review status: criteria provided, single submitter. Criteria: ARUP Molecular Germline Variant Investigation Process 2024. Collection method: clinical testing. Allele origin: germline.

GeneDx
Classification: Likely benign. Last evaluated: 2024-12-17. Review status: criteria provided, single submitter. Criteria: GeneDx Variant Classification Process June 2021. Collection method: clinical testing. Allele origin: germline. Affected: yes.
Comment: See Variant Classification Assertion Criteria.

Blueprint Genetics
Classification: Likely benign. Last evaluated: 2024-11-28. Review status: criteria provided, single submitter. Criteria: ACMG Guidelines, 2015. Collection method: clinical testing. Allele origin: germline.

Mayo Clinic Laboratories, Mayo Clinic
Classification: Benign. Last evaluated: 2023-11-08. Review status: criteria provided, single submitter. Criteria: ACMG Guidelines, 2015. Collection method: clinical testing. Allele origin: germline. Observed: 11 variant alleles.
Comment: BS1, BS2

Breakthrough Genomics
Classification: Likely benign. Review status: criteria provided, single submitter. Criteria: ACMG Guidelines, 2015. Collection method: not provided. Allele origin: germline. Inheritance: Autosomal recessive inheritance. Affected: yes.

NM_145045.5(ODAD3):c.614C>T (p.Thr205Ile)

Gene: ODAD3 (outer dynein arm docking complex subunit 3; minus strand). Cytogenetic location: 19p13.2.
Variant type: single nucleotide variant.
Coding change: c.614C>T on transcript NM_145045.5 (MANE Select); coding-DNA position 614, C replaced by T.
Protein change: p.Thr205Ile; replaces threonine 205 with isoleucine.
Molecular consequence: missense variant. On other transcripts: intron variant (1).
Genome position (GRCh38, 1-based): chr19:11,426,783, G>A on the plus strand (C>T on the coding strand, the complement: ODAD3 is on the minus strand). VCF-style: chr19-11426783-G-A. GRCh37 (hg19) VCF-style: chr19-11537603-G-A.
Other names: p.Thr205Ile; c.452C>T, p.Thr151Ile (NM_001302453.1); c.534+90C>T (NM_001302454.2); short protein forms T205I, T151I.
Identifiers: ClinVar variation 241945 (VCV000241945.23), dbSNP rs35061520, ClinGen allele CA9212329.
Genomic context (GRCh38, chr19:11,426,783, plus strand): 5'-TGCTCGGCCTCCTGCGCCTTCATCTGGGCCTTCTCCAGGCGGTTCTCCAGGTTCCGCATG[G>A]TCTGGAGAGCAGCAGGGCTGGGCTGAGGGCCCTCCGCACTCAATCCCTCCCACACGACCC-3'
Protein context (NP_659482.3, residues 195-215): AQNRHTEVAK[Thr205Ile]MRNLENRLEK